The following is an entry in ClinVar:

NM_000053.4(ATP7B):c.14_38del (p.Glu5fs)

Gene: ATP7B (ATPase copper transporting beta; minus strand). Cytogenetic location: 13q14.3.
Variant type: Deletion.
Coding change: c.14_38del on transcript NM_000053.4 (MANE Select); coding-DNA positions 14 to 38, 25 bases deleted (AGAGACAGATCACAGCCAGAGAAGG).
Protein change: p.Glu5fs; shifts the reading frame from glutamic acid 5.
Molecular consequence: frameshift variant.
Genome position (GRCh38, 1-based): chr13:52,011,300-52,011,324, CCTTCTCTGGCTGTGATCTGTCTCT deleted on the plus strand (AGAGACAGATCACAGCCAGAGAAGG on the coding strand, the reverse complement: ATP7B is on the minus strand); deleting any 25 consecutive bases within chr13:52,011,300-52,011,327 gives the same sequence; the c. name uses the placement nearest the transcript's 3' end. VCF-style (leftmost placement, unchanged base first): chr13-52011299-CCCTTCTCTGGCTGTGATCTGTCTCT-C. GRCh37 (hg19) VCF-style: chr13-52585435-CCCTTCTCTGGCTGTGATCTGTCTCT-C.
Other names: c.14_38del, p.Glu5fs (NM_001005918.3, NM_001243182.2, NM_001330578.2 and 1 more transcripts); short protein forms E5fs.
Identifiers: ClinVar variation 1392357 (VCV001392357.1), dbSNP rs2140768125, ClinGen allele CA2573149713.

ClinVar aggregate classification (germline): Pathogenic (1 of 4 stars; one submission).

Conditions:
Wilson disease (WND). Also called: Wilson's disease. Identifiers: Orphanet 905, MedGen C0019202, MONDO:0010200, OMIM 277900. Disease mechanism: loss of function.

Submission:

Labcorp Genetics (formerly Invitae), Labcorp
Classification: Pathogenic for Wilson disease. Last evaluated: 2021-07-31. Review status: criteria provided, single submitter. Criteria: Invitae Variant Classification Sherloc (09022015). Collection method: clinical testing. Allele origin: germline.
Comment: This sequence change creates a premature translational stop signal (p.Glu5Glyfs*21) in the ATP7B gene. It is expected to result in an absent or disrupted protein product. Loss-of-function variants in ATP7B are known to be pathogenic (PMID: 10441329, 16283883). This variant is not present in population databases (ExAC no frequency). This variant has not been reported in the literature in individuals affected with ATP7B-related conditions. For these reasons, this variant has been classified as Pathogenic.

Literature cited by the submitters: PubMed 10441329; PubMed 16283883.